The following is an entry in ClinVar:

ClinVar aggregate classification (germline): Uncertain significance (1 of 4 stars; one submission).

Conditions:
Pulmonary fibrosis and/or bone marrow failure, Telomere-related, 3. Also called: PULMONARY FIBROSIS AND/OR BONE MARROW FAILURE SYNDROME, TELOMERE-RELATED, 3. Identifiers: Orphanet 2032, MedGen C4225346, MONDO:0014613, OMIM 616373.
Dyskeratosis congenita, autosomal recessive 5 (DKCB5). Identifiers: MedGen C3554656, MONDO:0014076, OMIM 615190.

Allele frequency attached by ClinVar (database versions not stated): ExAC 0.00002; TOPMed 0.00001; gnomAD exomes 0.00001.
gnomAD v4.1: 17 of 1,612,950 alleles (0.0011%); highest among the groups gnomAD compares: East Asian, 0.0022%; no homozygotes.

Submission:

Labcorp Genetics (formerly Invitae), Labcorp
Classification: Uncertain significance for Dyskeratosis congenita, autosomal recessive 5; Pulmonary fibrosis and/or bone marrow failure, Telomere-related, 3. Last evaluated: 2026-01-15. Review status: criteria provided, single submitter. Criteria: Invitae Variant Classification Sherloc (09022015). Collection method: clinical testing. Allele origin: germline.
Comment: This sequence change replaces valine, which is neutral and non-polar, with alanine, which is neutral and non-polar, at codon 382 of the RTEL1 protein (p.Val382Ala). This variant is present in population databases (rs778730878, gnomAD 0.006%). This variant has not been reported in the literature in individuals affected with RTEL1-related conditions. ClinVar contains an entry for this variant (Variation ID: 2142274). An algorithm developed to predict the effect of missense changes on protein structure and function outputs the following: PolyPhen-2: "Benign". The alanine amino acid residue is found in multiple mammalian species, which suggests that this missense change does not adversely affect protein function. In summary, the available evidence is currently insufficient to determine the role of this variant in disease. Therefore, it has been classified as a Variant of Uncertain Significance.

NM_001283009.2(RTEL1):c.1145T>C (p.Val382Ala)

Genes: RTEL1 (regulator of telomere elongation helicase 1; plus strand), RTEL1-TNFRSF6B (RTEL1-TNFRSF6B readthrough (NMD candidate); plus strand). Cytogenetic location: 20q13.33.
Variant type: single nucleotide variant.
Coding change: c.1145T>C on transcript NM_001283009.2 (MANE Select); coding-DNA position 1145, T replaced by C.
Protein change: p.Val382Ala; replaces valine 382 with alanine.
Molecular consequence: missense variant. On other transcripts: non-coding transcript variant (1).
Genome position (GRCh38, 1-based): chr20:63,680,673, T>C. VCF-style: chr20-63680673-T-C. GRCh37 (hg19) VCF-style: chr20-62312026-T-C.
Other names: c.476T>C, p.Val159Ala (NM_001283010.1); c.1145T>C, p.Val382Ala (NM_016434.4); c.1217T>C, p.Val406Ala (NM_032957.5); short protein forms V159A, V406A, V382A.
Identifiers: ClinVar variation 2142274 (VCV002142274.3), dbSNP rs778730878, ClinGen allele CA9964634.
Genomic context (GRCh38, chr20:63,680,673, plus strand): 5'-CGGGGCCTCCCCTGCCTGCAGTGTGGGTGTCAGCGCCCTGCTGCCCTCCAGGTGCTGGAG[T>C]GTTCACCAACACGGCCGGACTGCAGAAGCTGGCGGACATTATCCAGGTGGGGCCTGCTCC-3'
Protein context (NP_001269938.1, residues 372-392): IIQHLAGRAG[Val382Ala]FTNTAGLQKL